The following is an entry in ClinVar:

ClinVar aggregate classification (germline): Uncertain significance (1 of 4 stars; one submission).

Conditions:
Inborn genetic diseases. Identifiers: MedGen C0950123, MeSH D030342.

Submission:

Ambry Genetics
Classification: Uncertain significance for Inborn genetic diseases. Last evaluated: 2026-07-01. Review status: criteria provided, single submitter. Criteria: Ambry Variant Classification Scheme 2023. Collection method: clinical testing. Allele origin: germline.
Comment: The p.P756S variant (also known as c.2266C>T), located in coding exon 17 of the CACNA1S gene, results from a C to T substitution at nucleotide position 2266. The proline at codon 756 is replaced by serine, an amino acid with similar properties. This amino acid position is conserved. In addition, this alteration is predicted to be deleterious by in silico analysis. Based on the available evidence, the clinical significance of this variant remains unclear.

NM_000069.3(CACNA1S):c.2266C>T (p.Pro756Ser)

Gene: CACNA1S (calcium voltage-gated channel subunit alpha1 S; minus strand). Cytogenetic location: 1q32.1.
Variant type: single nucleotide variant.
Coding change: c.2266C>T on transcript NM_000069.3 (MANE Select); coding-DNA position 2266, C replaced by T.
Protein change: p.Pro756Ser; replaces proline 756 with serine.
Molecular consequence: missense variant.
Genome position (GRCh38, 1-based): chr1:201,070,366, G>A on the plus strand (C>T on the coding strand, the complement: CACNA1S is on the minus strand). VCF-style: chr1-201070366-G-A. GRCh37 (hg19) VCF-style: chr1-201039494-G-A.
Other names: short protein forms P756S.
Identifiers: ClinVar variation 5033617 (VCV005033617.1).